The following is an entry in ClinVar:

ClinVar aggregate classification (germline): Likely benign. Review status: criteria provided, multiple submitters, no conflicts (2 of 4 stars). 3 submissions from 3 submitters: Likely benign (2). 1 of the submissions does not count toward it. Last evaluated 2025-03-11.

Conditions:
Bilateral frontoparietal polymicrogyria. Also called: CORTICAL DYSPLASIA, COMPLEX, WITH OTHER BRAIN MALFORMATIONS 14A (BILATERAL FRONTOPARIETAL); CEREBELLAR ATAXIA WITH NEURONAL MIGRATION DEFECT. Identifiers: Orphanet 101070, MedGen C1847352, MONDO:0011738, OMIM 606854.

Allele frequency attached by ClinVar (database versions not stated): TOPMed below 0.00001.
gnomAD v4.1: 2 of 1,614,032 alleles (0.00012%); highest among the groups gnomAD compares: Non-Finnish European, 0.00017%; no homozygotes.

Submissions (3):

Mayo Clinic Laboratories, Mayo Clinic
Classification: Likely benign. Last evaluated: 2025-03-11. Review status: criteria provided, single submitter. Criteria: ACMG Guidelines, 2015. Collection method: clinical testing. Allele origin: germline. Observed: 1 variant allele.
Comment: BP4, BP7

Labcorp Genetics (formerly Invitae), Labcorp
Classification: Likely benign. Last evaluated: 2022-08-05. Review status: criteria provided, single submitter. Criteria: Invitae Variant Classification Sherloc (09022015). Collection method: clinical testing. Allele origin: germline.

Natera, Inc.
Classification: Uncertain significance for Bilateral frontoparietal polymicrogyria. Last evaluated: 2020-08-14. Review status: no assertion criteria provided. Collection method: clinical testing. Allele origin: germline. Not counted in ClinVar's aggregate classification.

NM_201525.4(ADGRG1):c.1170C>A (p.Val390=)

Gene: ADGRG1 (adhesion G protein-coupled receptor G1; plus strand). Cytogenetic location: 16q21.
Variant type: single nucleotide variant.
Coding change: c.1170C>A on transcript NM_201525.4 (MANE Select); coding-DNA position 1170, C replaced by A.
Protein change: p.Val390=; no amino-acid change (valine 390 retained).
Molecular consequence: synonymous variant.
Genome position (GRCh38, 1-based): chr16:57,657,375, C>A. VCF-style: chr16-57657375-C-A. GRCh37 (hg19) VCF-style: chr16-57691287-C-A.
Other names: p.Val390=; c.1170C>A, p.Val390= (NM_001370437.1, NM_001370438.1, NM_001370439.1 and 14 more transcripts); c.1167C>A, p.Val389= (NM_001370441.1, NM_001370434.1); c.1014C>A, p.Val338= (NM_001370442.1); c.645C>A, p.Val215= (NM_001370451.1, NM_001370453.1, NM_001370454.1 and 2 more transcripts); c.1185C>A, p.Val395= (NM_001145773.3, NM_001370433.1); c.660C>A, p.Val220= (NM_001290142.2).
Identifiers: ClinVar variation 989970 (VCV000989970.10), dbSNP rs1255029602, ClinGen allele CA495638378.